The following is an entry in ClinVar:

ClinVar aggregate classification (germline): Uncertain significance. Review status: criteria provided, multiple submitters, no conflicts (2 of 4 stars). 2 submissions from 2 submitters: Uncertain significance (2). Last evaluated 2024-05-13.

Conditions:
Cenani-Lenz syndactyly syndrome. Also called: SYNDACTYLY, TYPE VII; CENANI SYNDACTYLISM. Identifiers: Orphanet 3258, MedGen C1859309, MONDO:0008931, OMIM 212780.
Sclerosteosis 2 (SOST2). Identifiers: Orphanet 3152, MedGen C3280402, MONDO:0013679, OMIM 614305.
Congenital myasthenic syndrome 17. Identifiers: Orphanet 590, MedGen C4225377, MONDO:0014578, OMIM 616304.

Allele frequency attached by ClinVar (database versions not stated): gnomAD exomes below 0.00001.
gnomAD v4.1: 1 of 1,614,204 alleles (0.000062%); highest among the groups gnomAD compares: Non-Finnish European, 0.000085%; no homozygotes.

Submissions (2):

Fulgent Genetics
Classification: Uncertain significance for Cenani-Lenz syndactyly syndrome; Sclerosteosis 2; Congenital myasthenic syndrome 17. Last evaluated: 2024-05-13. Review status: criteria provided, single submitter. Criteria: ACMG Guidelines, 2015. Collection method: clinical testing. Allele origin: germline.

Labcorp Genetics (formerly Invitae), Labcorp
Classification: Uncertain significance for Cenani-Lenz syndactyly syndrome; Sclerosteosis 2; Congenital myasthenic syndrome 17. Last evaluated: 2022-05-28. Review status: criteria provided, single submitter. Criteria: Invitae Variant Classification Sherloc (09022015). Collection method: clinical testing. Allele origin: germline.
Comment: This sequence change replaces glutamic acid, which is acidic and polar, with lysine, which is basic and polar, at codon 1383 of the LRP4 protein (p.Glu1383Lys). This variant is not present in population databases (gnomAD no frequency). This variant has not been reported in the literature in individuals affected with LRP4-related conditions. Algorithms developed to predict the effect of missense changes on protein structure and function (SIFT, PolyPhen-2, Align-GVGD) all suggest that this variant is likely to be tolerated. In summary, the available evidence is currently insufficient to determine the role of this variant in disease. Therefore, it has been classified as a Variant of Uncertain Significance.

NM_002334.4(LRP4):c.4147G>A (p.Glu1383Lys)

Gene: LRP4 (LDL receptor related protein 4; minus strand). Cytogenetic location: 11p11.2.
Variant type: single nucleotide variant.
Coding change: c.4147G>A on transcript NM_002334.4 (MANE Select); coding-DNA position 4147, G replaced by A.
Protein change: p.Glu1383Lys; replaces glutamic acid 1383 with lysine.
Molecular consequence: missense variant.
Genome position (GRCh38, 1-based): chr11:46,874,882, C>T on the plus strand (G>A on the coding strand, the complement: LRP4 is on the minus strand). VCF-style: chr11-46874882-C-T. GRCh37 (hg19) VCF-style: chr11-46896433-C-T.
Other names: short protein forms E1383K.
Identifiers: ClinVar variation 2051512 (VCV002051512.5), dbSNP rs2539727264, ClinGen allele CA380270574.